The following is an entry in ClinVar:

NM_138387.4(G6PC3):c.380C>T (p.Thr127Met)

Gene: G6PC3 (glucose-6-phosphatase catalytic subunit 3; plus strand). Cytogenetic location: 17q21.31.
Variant type: single nucleotide variant.
Coding change: c.380C>T on transcript NM_138387.4 (MANE Select); coding-DNA position 380, C replaced by T.
Protein change: p.Thr127Met; replaces threonine 127 with methionine.
Molecular consequence: missense variant.
Genome position (GRCh38, 1-based): chr17:44,074,734, C>T. VCF-style: chr17-44074734-C-T. GRCh37 (hg19) VCF-style: chr17-42152102-C-T.
Other names: c.380C>T (NM_138387.3); c.380C>T, p.Thr127Met (NM_001319945.2); c.35C>T, p.Thr12Met (NM_001384165.1, NM_001384166.1, NM_001384167.1 and 1 more transcripts); short protein forms T12M, T127M.
Identifiers: ClinVar variation 1397218 (VCV001397218.4), dbSNP rs748177654, ClinGen allele CA8595995.
Genomic context (GRCh38, chr17:44,074,734, plus strand): 5'-TGGCAGGCAGCCCTTCTGGACACTGCATGATCACAGGAGCAGCCCTCTGGCCCATAATGA[C>T]GGCCCTGTCTTCGCAGGTGGCCACTCGGGCCCGCAGGTATACCCTTGGCATTGCCCACCA-3'
Protein context (NP_612396.1, residues 117-137): ITGAALWPIM[Thr127Met]ALSSQVATRA

ClinVar aggregate classification (germline): Uncertain significance. Review status: criteria provided, multiple submitters, no conflicts (2 of 4 stars). 2 submissions from 2 submitters: Uncertain significance (2). Last evaluated 2024-11-24.

Conditions:
Autosomal recessive severe congenital neutropenia due to G6PC3 deficiency. Also called: G6PC3 Deficiency; NEUTROPENIA, SEVERE CONGENITAL, 4, AUTOSOMAL RECESSIVE. Identifiers: Orphanet 331176, MedGen C2751630, MONDO:0012930, OMIM 612541.
Inborn genetic diseases. Identifiers: MedGen C0950123, MeSH D030342.

Allele frequency attached by ClinVar (database versions not stated): gnomAD 0.00001; gnomAD exomes 0.00001 and 0.00003; ExAC 0.00002; TOPMed 0.00002.
gnomAD v4.1: 11 of 1,614,066 alleles (0.00068%); highest among the groups gnomAD compares: East Asian, 0.0045%; no homozygotes.

Submissions (2):

Ambry Genetics
Classification: Uncertain significance for Inborn genetic diseases. Last evaluated: 2024-11-24. Review status: criteria provided, single submitter. Criteria: Ambry Variant Classification Scheme 2023. Collection method: clinical testing. Allele origin: germline.
Comment: The p.T127M variant (also known as c.380C>T), located in coding exon 3 of the G6PC3 gene, results from a C to T substitution at nucleotide position 380. The threonine at codon 127 is replaced by methionine, an amino acid with similar properties. This amino acid position is conserved. In addition, this alteration is predicted to be tolerated by in silico analysis. Based on the available evidence, the clinical significance of this variant remains unclear.

Labcorp Genetics (formerly Invitae), Labcorp
Classification: Uncertain significance for Autosomal recessive severe congenital neutropenia due to G6PC3 deficiency. Last evaluated: 2022-07-19. Review status: criteria provided, single submitter. Criteria: Invitae Variant Classification Sherloc (09022015). Collection method: clinical testing. Allele origin: germline.
Comment: This sequence change replaces threonine, which is neutral and polar, with methionine, which is neutral and non-polar, at codon 127 of the G6PC3 protein (p.Thr127Met). This variant is present in population databases (rs748177654, gnomAD 0.02%). This variant has not been reported in the literature in individuals affected with G6PC3-related conditions. ClinVar contains an entry for this variant (Variation ID: 1397218). Algorithms developed to predict the effect of missense changes on protein structure and function (SIFT, PolyPhen-2, Align-GVGD) all suggest that this variant is likely to be tolerated. In summary, the available evidence is currently insufficient to determine the role of this variant in disease. Therefore, it has been classified as a Variant of Uncertain Significance.